The following is an entry in ClinVar:

ClinVar aggregate classification (germline): Conflicting classifications of pathogenicity. Review status: criteria provided, conflicting classifications (1 of 4 stars). 5 submissions from 5 submitters: Uncertain significance (1); Likely benign (3). 1 of the submissions does not count toward it. Last evaluated 2025-08-18.

Conditions:
Primary ciliary dyskinesia 13. Also called: CILIARY DYSKINESIA, PRIMARY, 13, WITH OR WITHOUT SITUS INVERSUS. Identifiers: Orphanet 244, MedGen C2750790, MONDO:0013174, OMIM 613193.
DNAAF1-related disorder. Also called: DNAAF1-related condition.
Primary ciliary dyskinesia. Also called: Ciliary dyskinesia. Identifiers: Orphanet 244, MedGen C0008780, MONDO:0016575, HP:0012265.

Allele frequency attached by ClinVar (database versions not stated): ExAC 0.00007; ESP Exome Variant Server 0.00008; gnomAD exomes 0.00008 and 0.00011; gnomAD 0.00010 and 0.00011; TOPMed 0.00012.
gnomAD v4.1: 189 of 1,613,708 alleles (0.012%); highest among the groups gnomAD compares: Middle Eastern, 0.033%; no homozygotes.

Submissions (5):

Labcorp Genetics (formerly Invitae), Labcorp
Classification: Likely benign for Primary ciliary dyskinesia. Last evaluated: 2025-08-18. Review status: criteria provided, single submitter. Criteria: Invitae Variant Classification Sherloc (09022015). Collection method: clinical testing. Allele origin: germline.

Blueprint Genetics
Classification: Likely benign. Last evaluated: 2024-05-29. Review status: criteria provided, single submitter. Criteria: ACMG Guidelines, 2015. Collection method: clinical testing. Allele origin: germline.

Ambry Genetics
Classification: Likely benign for Primary ciliary dyskinesia. Last evaluated: 2018-02-19. Review status: criteria provided, single submitter. Criteria: Ambry Variant Classification Scheme 2023. Collection method: clinical testing. Allele origin: germline.

Illumina Laboratory Services, Illumina
Classification: Uncertain significance for Primary ciliary dyskinesia 13. Last evaluated: 2018-02-09. Review status: criteria provided, single submitter. Criteria: ICSL Variant Classification Criteria 13 December 2019. Collection method: clinical testing. Allele origin: germline.

PreventionGenetics, part of Exact Sciences
Classification: Likely benign for DNAAF1-related condition. Last evaluated: 2019-06-07. Review status: no assertion criteria provided. Collection method: clinical testing. Allele origin: germline. Not counted in ClinVar's aggregate classification.
Comment: This variant is classified as likely benign based on ACMG/AMP sequence variant interpretation guidelines (Richards et al. 2015 PMID: 25741868, with internal and published modifications).

NM_178452.6(DNAAF1):c.2079C>T (p.Ser693=)

Gene: DNAAF1 (dynein axonemal assembly factor 1; plus strand). Cytogenetic location: 16q24.1.
Variant type: single nucleotide variant.
Coding change: c.2079C>T on transcript NM_178452.6 (MANE Select); coding-DNA position 2079, C replaced by T.
Protein change: p.Ser693=; no amino-acid change (serine 693 retained).
Molecular consequence: synonymous variant.
Genome position (GRCh38, 1-based): chr16:84,177,742, C>T. VCF-style: chr16-84177742-C-T. GRCh37 (hg19) VCF-style: chr16-84211348-C-T.
Other names: c.1371C>T, p.Ser457= (NM_001318756.1); c.2079C>T (NM_178452.5).
Identifiers: ClinVar variation 525500 (VCV000525500.19), dbSNP rs145469545, ClinGen allele CA8203157.